The following is an entry in ClinVar:

NM_032242.4(PLXNA1):c.1549C>T (p.Gln517Ter)

Gene: PLXNA1 (plexin A1; plus strand). Cytogenetic location: 3q21.3.
Variant type: single nucleotide variant.
Coding change: c.1549C>T on transcript NM_032242.4 (MANE Select); coding-DNA position 1549, C replaced by T.
Protein change: p.Gln517Ter; replaces glutamine 517 with a stop codon.
Molecular consequence: nonsense.
Genome position (GRCh38, 1-based): chr3:127,004,641, C>T. VCF-style: chr3-127004641-C-T. GRCh37 (hg19) VCF-style: chr3-126723484-C-T.
Other names: short protein forms Q517*.
Identifiers: ClinVar variation 867236 (VCV000867236.3), dbSNP rs1204647586, ClinGen allele CA354379405.
Genomic context (GRCh38, chr3:127,004,641, plus strand): 5'-TGGAGGGGCCTGACACCTCCCCCACACCAGGTGACGCGGGTGCCTGTGGAGAGCTGTGTG[C>T]AGTACACGTCCTGTGAGCTGTGTCTGGGGTCACGGGACCCCCACTGTGGCTGGTGTGTCC-3'

ClinVar aggregate classification (germline): Pathogenic/Likely pathogenic. Review status: no assertion criteria provided (0 of 4 stars). 3 submissions from 3 submitters: Pathogenic (1); Likely pathogenic (2). Last evaluated 2024-03-06.

Conditions:
Neurodevelopmental disorder. Identifiers: MedGen C1535926, MeSH D065886, MONDO:0700092.
PLXNA1-related disorder. Also called: PLXNA1-related condition.
Dworschak-Punetha neurodevelopmental syndrome (DWOPNED). Identifiers: MedGen C5677017, MONDO:0859260, OMIM 619955.

Allele frequency attached by ClinVar (database versions not stated): TOPMed below 0.00001; gnomAD 0.00001; gnomAD exomes 0.00001.
gnomAD v4.1: 4 of 1,581,534 alleles (0.00025%); highest among the groups gnomAD compares: Non-Finnish European, 0.00034%; no homozygotes.

Submissions (3):

PreventionGenetics, part of Exact Sciences
Classification: Likely pathogenic for PLXNA1-related condition. Last evaluated: 2024-03-06. Review status: no assertion criteria provided. Collection method: clinical testing. Allele origin: germline.
Comment: The PLXNA1 c.1549C>T variant is predicted to result in premature protein termination (p.Gln517*). This variant was reported in the compound heterozygous state in three siblings with Dworschak-Punetha neurodevelopmental syndrome; the father and an additional sibling carried this variant alone and were unaffected (Dworschak et al. 2021. PubMed ID: 34054129). This variant is reported in 0.0023% of alleles in individuals of European (Non-Finnish) descent in gnomAD. Nonsense variants in PLXNA1 are expected to be pathogenic. This variant is interpreted as likely pathogenic for autosomal recessive disease.

OMIM
Classification: Pathogenic for DWORSCHAK-PUNETHA NEURODEVELOPMENTAL SYNDROME. Last evaluated: 2022-07-13. Review status: no assertion criteria provided. Collection method: literature only. Allele origin: germline.

Lupski Lab, Baylor-Hopkins CMG, Baylor College of Medicine
Classification: Likely pathogenic for Neurodevelopmental disorder. Last evaluated: 2019-11-30. Review status: no assertion criteria provided. Collection method: research. Allele origin: inherited. Inheritance: Autosomal recessive inheritance. Affected: yes. Observed: 1 compound heterozygote. Segregation with disease observed.

Literature cited by the submitters: PubMed 34054129 (cited by OMIM).